The following is an entry in ClinVar:

ClinVar aggregate classification (germline): Uncertain significance. Review status: criteria provided, multiple submitters, no conflicts (2 of 4 stars). 5 submissions from 5 submitters: Uncertain significance (5). Last evaluated 2025-06-29.

Conditions:
Hereditary nonpolyposis colorectal neoplasms. Identifiers: MedGen C0009405, MeSH D003123.
Hereditary cancer-predisposing syndrome. Also called: Hereditary neoplastic syndrome; Hereditary Cancer Syndrome; Neoplastic Syndromes, Hereditary; Tumor predisposition. Identifiers: Orphanet 140162, MedGen C0027672, MeSH D009386, MONDO:0015356.
Lynch syndrome. Identifiers: Orphanet 144, MedGen C4552100, MONDO:0005835. Disease mechanism: loss of function.

Allele frequency attached by ClinVar (database versions not stated): gnomAD exomes below 0.00001; gnomAD 0.00001.
gnomAD v4.1: 3 of 1,613,894 alleles (0.00019%); highest among the groups gnomAD compares: Non-Finnish European, 0.00025%; no homozygotes.

Submissions (5):

Labcorp Genetics (formerly Invitae), Labcorp
Classification: Uncertain significance for Hereditary nonpolyposis colorectal neoplasms. Last evaluated: 2025-06-29. Review status: criteria provided, single submitter. Criteria: Invitae Variant Classification Sherloc (09022015). Collection method: clinical testing. Allele origin: germline.
Comment: This sequence change replaces serine, which is neutral and polar, with arginine, which is basic and polar, at codon 1279 of the MSH6 protein (p.Ser1279Arg). This variant is not present in population databases (gnomAD no frequency). This variant has not been reported in the literature in individuals affected with MSH6-related conditions. ClinVar contains an entry for this variant (Variation ID: 234831). Invitae Evidence Modeling of protein sequence and biophysical properties (such as structural, functional, and spatial information, amino acid conservation, physicochemical variation, residue mobility, and thermodynamic stability) indicates that this missense variant is not expected to disrupt MSH6 protein function with a negative predictive value of 95%. In summary, the available evidence is currently insufficient to determine the role of this variant in disease. Therefore, it has been classified as a Variant of Uncertain Significance.

Ambry Genetics
Classification: Uncertain significance for Hereditary cancer-predisposing syndrome. Last evaluated: 2024-05-31. Review status: criteria provided, single submitter. Criteria: Ambry Variant Classification Scheme 2023. Collection method: clinical testing. Allele origin: germline.
Comment: The p.S1279R variant (also known as c.3837C>G), located in coding exon 9 of the MSH6 gene, results from a C to G substitution at nucleotide position 3837. The serine at codon 1279 is replaced by arginine, an amino acid with dissimilar properties. This amino acid position is conserved. In addition, this alteration is predicted to be deleterious by in silico analysis. Since supporting evidence is limited at this time, the clinical significance of this alteration remains unclear.

All of Us Research Program, National Institutes of Health
Classification: Uncertain significance for Lynch syndrome. Last evaluated: 2024-05-14. Review status: criteria provided, single submitter. Criteria: ACMG Guidelines, 2015. Collection method: clinical testing. Allele origin: germline. Inheritance: Autosomal dominant inheritance. Observed: 1 variant allele, 1 heterozygote.
Comment: This missense variant replaces serine with arginine at codon 1279 of the MSH6 protein. Computational prediction is inconclusive regarding the impact of this variant on protein structure and function (internally defined REVEL score threshold 0.5 < inconclusive < 0.7, PMID: 27666373). To our knowledge, functional studies have not been reported for this variant. This variant has not been reported in individuals affected with MSH6-related disorders in the literature. This variant has not been identified in the general population by the Genome Aggregation Database (gnomAD). The available evidence is insufficient to determine the role of this variant in disease conclusively. Therefore, this variant is classified as a Variant of Uncertain Significance.

This study involves interpretation of variants in research participants for the purpose of population health screening. Participant phenotype was not available at the time of variant classification. Additional details can be found in publication PMID: 35346344, PMCID: PMC8962531

Color Diagnostics, LLC DBA Color Health
Classification: Uncertain significance for Hereditary cancer-predisposing syndrome. Last evaluated: 2023-12-05. Review status: criteria provided, single submitter. Criteria: ACMG Guidelines, 2015. Collection method: clinical testing. Allele origin: germline.
Comment: This missense variant replaces serine with arginine at codon 1279 of the MSH6 protein. Computational prediction is inconclusive regarding the impact of this variant on protein structure and function (internally defined REVEL score threshold 0.5 < inconclusive < 0.7, PMID: 27666373). To our knowledge, functional studies have not been reported for this variant. This variant has not been reported in individuals affected with MSH6-related disorders in the literature. This variant has not been identified in the general population by the Genome Aggregation Database (gnomAD). The available evidence is insufficient to determine the role of this variant in disease conclusively. Therefore, this variant is classified as a Variant of Uncertain Significance.

GeneDx
Classification: Uncertain significance. Last evaluated: 2016-02-11. Review status: criteria provided, single submitter. Criteria: GeneDx Variant Classification (06012015). Collection method: clinical testing. Allele origin: germline. Affected: yes.
Comment: This variant is denoted MSH6 c.3837C>G at the cDNA level, p.Ser1279Arg (S1279R) at the protein level, and results in the change of a Serine to an Arginine (AGC>AGG). This variant has not, to our knowledge, been published in the literature as pathogenic or benign. MSH6 Ser1279Arg was not observed in approximately 6,500 individuals of European and African American ancestry in the NHLBI Exome Sequencing Project, suggesting it is not a common benign variant in these populations. Since Serine and Arginine differ in some properties, this is considered a semi-conservative amino acid substitution. MSH6 Ser1279Arg occurs at a position that is conserved across species and is located within domain V of the MutS domain (Terui 2013). In silico analyses predict that this variant is probably damaging to protein structure and function. Based on currently available evidence, it is unclear whether MSH6 Ser1279Arg is a pathogenic or benign variant. We consider it to be a variant of uncertain significance.

NM_000179.3(MSH6):c.3837C>G (p.Ser1279Arg)

Gene: MSH6 (mutS homolog 6; plus strand). Cytogenetic location: 2p16.3.
Variant type: single nucleotide variant.
Coding change: c.3837C>G on transcript NM_000179.3 (MANE Select); coding-DNA position 3837, C replaced by G.
Protein change: p.Ser1279Arg; replaces serine 1279 with arginine.
Molecular consequence: missense variant.
Genome position (GRCh38, 1-based): chr2:47,806,487, C>G. VCF-style: chr2-47806487-C-G. GRCh37 (hg19) VCF-style: chr2-48033626-C-G.
Other names: c.3447C>G, p.Ser1149Arg (NM_001281492.2); c.2931C>G, p.Ser977Arg (NM_001281493.2, NM_001281494.2); short protein forms S1279R, S1149R, S977R.
Identifiers: ClinVar variation 234831 (VCV000234831.18), dbSNP rs876661245, ClinGen allele CA10577293.
Genomic context (GRCh38, chr2:47,806,487, plus strand): 5'-ATCGCTAATATTTTTCTTTCTTAAGGCATGCATGGTAGAAAATGAATGTGAAGACCCCAG[C>G]CAGGAGACTATTACGTTCCTCTATAAATTCATTAAGGGAGCTTGTCCTAAAAGCTATGGC-3'
Protein context (NP_000170.1, residues 1269-1289): CMVENECEDP[Ser1279Arg]QETITFLYKF